The following is an entry in ClinVar:

ClinVar aggregate classification (germline): Conflicting classifications of pathogenicity. Review status: criteria provided, conflicting classifications (1 of 4 stars). 4 submissions from 4 submitters: Uncertain significance (1); Likely benign (3). Last evaluated 2026-06-01.

Conditions:
Atrial standstill 1 (ATRST1). Also called: ATRIAL CARDIOMYOPATHY WITH HEART BLOCK; CARDIOMYOPATHY, FAMILIAL, WITH CONDUCTION DISTURBANCE; Atrial standstill, digenic (GJA5/SCN5A). Identifiers: Orphanet 1344, MedGen C4551959, MONDO:0007171, OMIM 108770.
Atrial fibrillation, familial, 11 (ATFB11). Identifiers: MedGen C3279693, MONDO:0013544, OMIM 614049.

Allele frequency attached by ClinVar (database versions not stated): ESP Exome Variant Server 0.00008; TOPMed 0.00008; gnomAD 0.00017 and 0.00019; gnomAD exomes 0.00017 and 0.00021; ExAC 0.00019.
gnomAD v4.1: 273 of 1,614,126 alleles (0.017%); highest among the groups gnomAD compares: Non-Finnish European, 0.018%; 1 homozygote.

Submissions (4):

CeGaT Center for Human Genetics Tuebingen
Classification: Likely benign. Last evaluated: 2026-06-01. Review status: criteria provided, single submitter. Criteria: CeGaT Center For Human Genetics Tuebingen Variant Classification Criteria Version 2. Collection method: clinical testing. Allele origin: germline. Affected: yes. Observed: 1 variant allele.
Comment: GJA5: BP4, BP7

Labcorp Genetics (formerly Invitae), Labcorp
Classification: Likely benign for Atrial fibrillation, familial, 11; Atrial standstill 1. Last evaluated: 2026-01-31. Review status: criteria provided, single submitter. Criteria: Invitae Variant Classification Sherloc (09022015). Collection method: clinical testing. Allele origin: germline.

Blueprint Genetics
Classification: Likely benign. Last evaluated: 2024-10-10. Review status: criteria provided, single submitter. Criteria: ACMG Guidelines, 2015. Collection method: clinical testing. Allele origin: germline.

Illumina Laboratory Services, Illumina
Classification: Uncertain significance for Atrial fibrillation, familial, 11. Last evaluated: 2018-01-12. Review status: criteria provided, single submitter. Criteria: ICSL Variant Classification Criteria 13 December 2019. Collection method: clinical testing. Allele origin: germline.

NM_181703.4(GJA5):c.348G>A (p.Glu116=)

Gene: GJA5 (gap junction protein alpha 5; minus strand). Cytogenetic location: 1q21.2.
Variant type: single nucleotide variant.
Coding change: c.348G>A on transcript NM_181703.4 (MANE Select); coding-DNA position 348, G replaced by A.
Protein change: p.Glu116=; no amino-acid change (glutamic acid 116 retained).
Molecular consequence: synonymous variant.
Genome position (GRCh38, 1-based): chr1:147,758,891, C>T on the plus strand (G>A on the coding strand, the complement: GJA5 is on the minus strand). VCF-style: chr1-147758891-C-T. GRCh37 (hg19) VCF-style: chr1-147230999-C-T.
Other names: c.348G>A, p.Glu116= (NM_005266.7).
Identifiers: ClinVar variation 876990 (VCV000876990.15), dbSNP rs150168016, ClinGen allele CA1065781.